The following is an entry in ClinVar:

NM_016122.3(CEP83):c.613A>G (p.Lys205Glu)

Gene: CEP83 (centrosomal protein 83; minus strand). Cytogenetic location: 12q22.
Variant type: single nucleotide variant.
Coding change: c.613A>G on transcript NM_016122.3 (MANE Select); coding-DNA position 613, A replaced by G.
Protein change: p.Lys205Glu; replaces lysine 205 with glutamic acid.
Molecular consequence: missense variant. On other transcripts: non-coding transcript variant (3).
Genome position (GRCh38, 1-based): chr12:94,378,979, T>C on the plus strand (A>G on the coding strand, the complement: CEP83 is on the minus strand). VCF-style: chr12-94378979-T-C. GRCh37 (hg19) VCF-style: chr12-94772755-T-C.
Other names: c.613A>G, p.Lys205Glu (NM_001042399.2, NM_001346457.2, NM_001346460.2 and 3 more transcripts); c.301A>G, p.Lys101Glu (NM_001346458.2, NM_001346459.2, NM_001346462.2 and 2 more transcripts); c.388A>G, p.Lys130Glu (NM_001368041.1); c.76A>G, p.Lys26Glu (NM_001368042.1); short protein forms K205E, K101E, K130E, K26E.
Identifiers: ClinVar variation 541794 (VCV000541794.5), dbSNP rs770141064, ClinGen allele CA6721879.

ClinVar aggregate classification (germline): Uncertain significance (1 of 4 stars; one submission).

Conditions:
Nephronophthisis 18 (NPHP18). Identifiers: Orphanet 655, MedGen C3890591, MONDO:0014374, OMIM 615862.

Allele frequency attached by ClinVar (database versions not stated): ExAC 0.00001; gnomAD exomes below 0.00001.
gnomAD v4.1: 2 of 1,613,924 alleles (0.00012%); highest among the groups gnomAD compares: Admixed American, 0.0017%; no homozygotes.

Submission:

Labcorp Genetics (formerly Invitae), Labcorp
Classification: Uncertain significance for Nephronophthisis 18. Last evaluated: 2022-04-04. Review status: criteria provided, single submitter. Criteria: Invitae Variant Classification Sherloc (09022015). Collection method: clinical testing. Allele origin: germline.
Comment: Algorithms developed to predict the effect of sequence changes on RNA splicing suggest that this variant may create or strengthen a splice site. In summary, the available evidence is currently insufficient to determine the role of this variant in disease. Therefore, it has been classified as a Variant of Uncertain Significance. Algorithms developed to predict the effect of missense changes on protein structure and function are either unavailable or do not agree on the potential impact of this missense change (SIFT: "Not Available"; PolyPhen-2: "Benign"; Align-GVGD: "Not Available"). This sequence change replaces lysine, which is basic and polar, with glutamic acid, which is acidic and polar, at codon 205 of the CEP83 protein (p.Lys205Glu). This variant is not present in population databases (gnomAD no frequency). This variant has not been reported in the literature in individuals affected with CEP83-related conditions. ClinVar contains an entry for this variant (Variation ID: 541794).